The following is an entry in ClinVar:

NM_000142.5(FGFR3):c.2291C>T (p.Ser764Leu)

Gene: FGFR3 (fibroblast growth factor receptor 3; plus strand). Cytogenetic location: 4p16.3.
Variant type: single nucleotide variant.
Coding change: c.2291C>T on transcript NM_000142.5 (MANE Select); coding-DNA position 2291, C replaced by T.
Protein change: p.Ser764Leu; replaces serine 764 with leucine.
Molecular consequence: missense variant. On other transcripts: synonymous variant (1), non-coding transcript variant (1).
Genome position (GRCh38, 1-based): chr4:1,807,132, C>T. VCF-style: chr4-1807132-C-T. GRCh37 (hg19) VCF-style: chr4-1808859-C-T.
Other names: c.2297C>T, p.Ser766Leu (NM_001163213.2); c.2294C>T, p.Ser765Leu (NM_001354809.2); c.2223C>T, p.Val741= (NM_001354810.2); c.1955C>T, p.Ser652Leu (NM_022965.4); c.2291C>T (NM_000142.4); short protein forms S652L, S764L, S765L, S766L.
Identifiers: ClinVar variation 1680137 (VCV001680137.10), dbSNP rs759398915, ClinGen allele CA2810823.
Genomic context (GRCh38, chr4:1,807,132, plus strand): 5'-GAGGGGCTCGGTGGCACAGCGCTCACCCCGCCTCCCGCCAGCAGGAGTACCTGGACCTGT[C>T]GGCGCCTTTCGAGCAGTACTCCCCGGGTGGCCAGGACACCCCCAGCTCCAGCTCCTCAGG-3'
Protein context (NP_000133.1, residues 754-774): VTSTDEYLDL[Ser764Leu]APFEQYSPGG

ClinVar aggregate classification (germline): Uncertain significance. Review status: criteria provided, multiple submitters, no conflicts (2 of 4 stars). 3 submissions from 3 submitters: Uncertain significance (3). Last evaluated 2026-01-14.

Conditions:
FGFR3-related disorder. Also called: FGFR3-related disorders.

Allele frequency attached by ClinVar (database versions not stated): gnomAD 0.00004; gnomAD exomes 0.00005; ExAC 0.00012.
gnomAD v4.1: 72 of 1,588,550 alleles (0.0045%); highest among the groups gnomAD compares: East Asian, 0.012%; 1 homozygote.

Submissions (3):

Women's Health and Genetics/Laboratory Corporation of America, LabCorp
Classification: Uncertain significance. Last evaluated: 2026-01-14. Review status: criteria provided, single submitter. Criteria: LabCorp Variant Classification Summary - May 2015. Collection method: clinical testing. Allele origin: germline.
Comment: Variant summary: FGFR3 c.2291C>T (p.Ser764Leu) results in a non-conservative amino acid change in the encoded protein sequence. Algorithms developed to predict the effect of missense changes on protein structure and function all suggest that this variant is likely to be disruptive. The variant allele was found at a frequency of 5.5e-05 in 201224 control chromosomes. This frequency is not significantly higher than estimated for disease-causing variants in FGFR3, allowing no conclusion about variant significance. To our knowledge, no occurrence of c.2291C>T in individuals affected with FGFR3-related conditions and no experimental evidence demonstrating its impact on protein function have been reported. ClinVar contains an entry for this variant (Variation ID: 1680137). Based on the evidence outlined above, the variant was classified as uncertain significance.

PreventionGenetics, part of Exact Sciences
Classification: Uncertain significance for FGFR3-related condition. Last evaluated: 2025-12-10. Review status: criteria provided, single submitter. Criteria: ACMG Guidelines, 2015. Collection method: clinical testing. Allele origin: germline.
Comment: The FGFR3 c.2291C>T variant is predicted to result in the amino acid substitution p.Ser764Leu. To our knowledge, this variant has not been reported in the literature. This variant is reported in 0.018% of alleles in individuals of East Asian descent in gnomAD, including one homozygote in the larger gnomAD v4.1.0 database. Although we suspect that this variant may be benign, at this time, the clinical significance of this variant is uncertain due to the absence of conclusive functional and genetic evidence.

Labcorp Genetics (formerly Invitae), Labcorp
Classification: Uncertain significance. Last evaluated: 2025-04-11. Review status: criteria provided, single submitter. Criteria: Invitae Variant Classification Sherloc (09022015). Collection method: clinical testing. Allele origin: germline.
Comment: This sequence change replaces serine, which is neutral and polar, with leucine, which is neutral and non-polar, at codon 764 of the FGFR3 protein (p.Ser764Leu). This variant is present in population databases (rs759398915, gnomAD 0.02%), and has an allele count higher than expected for a pathogenic variant. This variant has not been reported in the literature in individuals affected with FGFR3-related conditions. ClinVar contains an entry for this variant (Variation ID: 1680137). Invitae Evidence Modeling of protein sequence and biophysical properties (such as structural, functional, and spatial information, amino acid conservation, physicochemical variation, residue mobility, and thermodynamic stability) has been performed for this missense variant. However, the output from this modeling did not meet the statistical confidence thresholds required to predict the impact of this variant on FGFR3 protein function. In summary, the available evidence is currently insufficient to determine the role of this variant in disease. Therefore, it has been classified as a Variant of Uncertain Significance.